The following is an entry in ClinVar:

NC_000004.11:g.(?_5809918)_(5811348_?)del

Gene: EVC (EvC ciliary complex subunit 1; plus strand). Cytogenetic location: 4p16.2.
Variant type: Deletion.
Identifiers: ClinVar variation 1069686 (VCV001069686.3).

ClinVar aggregate classification (germline): Pathogenic (1 of 4 stars; one submission).

Conditions:
Curry-Hall syndrome (WAD). Also called: WEYERS ACRODENTAL DYSOSTOSIS. Identifiers: Orphanet 952, MedGen C0457013, MONDO:0008673, OMIM 193530.
Ellis-van Creveld syndrome (EVC). Also called: EVC-Related Ellis-van Creveld Syndrome; EVC2-Related Ellis-van Creveld Syndrome; MESOECTODERMAL DYSPLASIA; Chondroectodermal dysplasia. Identifiers: Orphanet 289, MedGen C0013903, MONDO:0009162, OMIM 225500.

Submission:

Labcorp Genetics (formerly Invitae), Labcorp
Classification: Pathogenic for Curry-Hall syndrome; Ellis-van Creveld syndrome. Last evaluated: 2022-05-18. Review status: criteria provided, single submitter. Criteria: Invitae Variant Classification Sherloc (09022015). Collection method: clinical testing. Allele origin: germline.
Comment: This variant is a gross deletion of the genomic region encompassing exon(s) 18-19 of the EVC gene. This deletion is out-of-frame, and is expected to create a premature termination codon and result in an absent or disrupted protein product. Loss-of-function variants in EVC are known to be pathogenic (PMID: 23220543). This variant has not been reported in the literature in individuals affected with EVC-related conditions. For these reasons, this variant has been classified as Pathogenic.

Literature cited by the submitters: PubMed 23220543.